The following is an entry in ClinVar:

ClinVar aggregate classification (germline): Uncertain significance (1 of 4 stars; one submission).

Allele frequency attached by ClinVar (database versions not stated): gnomAD exomes below 0.00001 and 0.00001.
gnomAD v4.1: 3 of 1,613,558 alleles (0.00019%); highest among the groups gnomAD compares: South Asian, 0.0011%; no homozygotes.

Submission:

Labcorp Genetics (formerly Invitae), Labcorp
Classification: Uncertain significance. Last evaluated: 2023-08-17. Review status: criteria provided, single submitter. Criteria: Invitae Variant Classification Sherloc (09022015). Collection method: clinical testing. Allele origin: germline.
Comment: In summary, the available evidence is currently insufficient to determine the role of this variant in disease. Therefore, it has been classified as a Variant of Uncertain Significance. An algorithm developed to predict the effect of missense changes on protein structure and function (PolyPhen-2) suggests that this variant is likely to be disruptive. ClinVar contains an entry for this variant (Variation ID: 1369654). This missense change has been observed in individual(s) with retinitis pigmentosa (Invitae). This variant is present in population databases (no rsID available, gnomAD 0.003%). This sequence change replaces serine, which is neutral and polar, with asparagine, which is neutral and polar, at codon 1363 of the RIMS1 protein (p.Ser1363Asn).

NM_014989.7(RIMS1):c.4088G>A (p.Ser1363Asn)

Gene: RIMS1 (regulating synaptic membrane exocytosis 1; plus strand). Cytogenetic location: 6q13.
Variant type: single nucleotide variant.
Coding change: c.4088G>A on transcript NM_014989.7 (MANE Select); coding-DNA position 4088, G replaced by A.
Protein change: p.Ser1363Asn; replaces serine 1363 with asparagine.
Molecular consequence: missense variant. On other transcripts: intron variant (24).
Genome position (GRCh38, 1-based): chr6:72,313,630, G>A. VCF-style: chr6-72313630-G-A. GRCh37 (hg19) VCF-style: chr6-73023333-G-A.
Other names: c.1910G>A, p.Ser637Asn (NM_001350459.2); c.1928G>A, p.Ser643Asn (NM_001350460.2); c.1805G>A, p.Ser602Asn (NM_001350461.2); c.2093G>A, p.Ser698Asn (NM_001350462.2); c.1733G>A, p.Ser578Asn (NM_001350463.2); c.1736G>A, p.Ser579Asn (NM_001350464.2); c.1766G>A, p.Ser589Asn (NM_001350466.2); c.1655G>A, p.Ser552Asn (NM_001350467.2); and 51 more; short protein forms S609N, S630N, S660N, S669N, S670N, S552N, S578N, S589N.
Identifiers: ClinVar variation 1369654 (VCV001369654.8), dbSNP rs1203140123, ClinGen allele CA364691159.